The following is an entry in ClinVar:

ClinVar aggregate classification (germline): Uncertain significance (1 of 4 stars; one submission).

Conditions:
Combined immunodeficiency due to MALT1 deficiency. Also called: Immunodeficiency 12. Identifiers: Orphanet 397964, MedGen C3809583, MONDO:0014197, OMIM 615468.

Allele frequency attached by ClinVar (database versions not stated): gnomAD exomes below 0.00001.
gnomAD v4.1: 2 of 1,612,678 alleles (0.00012%); highest among the groups gnomAD compares: Non-Finnish European, 0.00017%; no homozygotes.

Submission:

Labcorp Genetics (formerly Invitae), Labcorp
Classification: Uncertain significance for Combined immunodeficiency due to MALT1 deficiency. Last evaluated: 2022-01-14. Review status: criteria provided, single submitter. Criteria: Invitae Variant Classification Sherloc (09022015). Collection method: clinical testing. Allele origin: germline.
Comment: This sequence change replaces asparagine, which is neutral and polar, with histidine, which is basic and polar, at codon 294 of the MALT1 protein (p.Asn294His). This variant is not present in population databases (gnomAD no frequency). This variant has not been reported in the literature in individuals affected with MALT1-related conditions. Algorithms developed to predict the effect of missense changes on protein structure and function are either unavailable or do not agree on the potential impact of this missense change (SIFT: "Deleterious"; PolyPhen-2: "Probably Damaging"; Align-GVGD: "Class C15"). In summary, the available evidence is currently insufficient to determine the role of this variant in disease. Therefore, it has been classified as a Variant of Uncertain Significance.

NM_006785.4(MALT1):c.880A>C (p.Asn294His)

Gene: MALT1 (MALT1 paracaspase; plus strand). Cytogenetic location: 18q21.32.
Variant type: single nucleotide variant.
Coding change: c.880A>C on transcript NM_006785.4 (MANE Select); coding-DNA position 880, A replaced by C.
Protein change: p.Asn294His; replaces asparagine 294 with histidine.
Molecular consequence: missense variant.
Genome position (GRCh38, 1-based): chr18:58,710,027, A>C. VCF-style: chr18-58710027-A-C. GRCh37 (hg19) VCF-style: chr18-56377259-A-C.
Other names: c.880A>C, p.Asn294His (NM_173844.3); short protein forms N294H.
Identifiers: ClinVar variation 1412356 (VCV001412356.5), dbSNP rs2144389020, ClinGen allele CA402573599.